The following is an entry in ClinVar:

ClinVar aggregate classification (germline): Benign/Likely benign. Review status: criteria provided, single submitter (1 of 4 stars). 2 submissions from 1 submitter: Benign (1); Likely benign (1). Last evaluated 2018-01-13.

Conditions:
Generalized epilepsy with febrile seizures plus, type 2 (GEFSP2). Also called: GEFS+, TYPE 2. Identifiers: Orphanet 36387, MedGen C1858673, MONDO:0011461, OMIM 604403.
Migraine, familial hemiplegic, 3. Identifiers: Orphanet 569, MedGen C1864987, MONDO:0012320, OMIM 609634.

Allele frequency attached by ClinVar (database versions not stated): 1000 Genomes Project 30x 0.00047; 1000 Genomes Project 0.00060; gnomAD 0.00248 and 0.00258; TOPMed 0.00267.

Submissions (2):

Illumina Laboratory Services, Illumina
Classification: Benign for Migraine, familial hemiplegic, 3. Last evaluated: 2018-01-13. Review status: criteria provided, single submitter. Criteria: ICSL Variant Classification Criteria 13 December 2019. Collection method: clinical testing. Allele origin: germline.
Comment: This variant was observed in the ICSL laboratory as part of a predisposition screen in an ostensibly healthy population. It had not been previously curated by ICSL or reported in the Human Gene Mutation Database (HGMD: prior to June 1st, 2018), and was therefore a candidate for classification through an automated scoring system. Utilizing variant allele frequency, disease prevalence and penetrance estimates, and inheritance mode, an automated score was calculated to assess if this variant is too frequent to cause the disease. Based on the score and internal cut-off values, a variant classified as benign is not then subjected to further curation. The score for this variant resulted in a classification of benign for this disease.

Illumina Laboratory Services, Illumina
Classification: Likely benign for Generalized epilepsy with febrile seizures plus, type 2. Last evaluated: 2018-01-13. Review status: criteria provided, single submitter. Criteria: ICSL Variant Classification Criteria 13 December 2019. Collection method: clinical testing. Allele origin: germline.
Comment: This variant was observed in the ICSL laboratory as part of a predisposition screen in an ostensibly healthy population. It had not been previously curated by ICSL or reported in the Human Gene Mutation Database (HGMD: prior to June 1st, 2018), and was therefore a candidate for classification through an automated scoring system. Utilizing variant allele frequency, disease prevalence and penetrance estimates, and inheritance mode, an automated score was calculated to assess if this variant is too frequent to cause the disease. Based on the score and internal cut-off values, a variant classified as likely benign is not then subjected to further curation. The score for this variant resulted in a classification of likely benign for this disease.

NM_001165963.4(SCN1A):c.*588A>G

Genes: SCN1A (sodium voltage-gated channel alpha subunit 1; minus strand), LOC102724058 (uncharacterized LOC102724058; plus strand). Cytogenetic location: 2q24.3.
Variant type: single nucleotide variant.
Coding change: c.*588A>G on transcript NM_001165963.4 (MANE Select); 588 bases downstream of the stop codon, A replaced by G.
Molecular consequence: 3 prime UTR variant. On other transcripts: non-coding transcript variant (1).
Genome position (GRCh38, 1-based): chr2:165,990,657, T>C on the plus strand (A>G on the coding strand, the complement: SCN1A is on the minus strand). VCF-style: chr2-165990657-T-C. GRCh37 (hg19) VCF-style: chr2-166847167-T-C.
Other names: c.*588A>G (NM_001165964.3, NM_001202435.3, NM_001353948.2 and 11 more transcripts).
Identifiers: ClinVar variation 331875 (VCV000331875.6), dbSNP rs539073575, ClinGen allele CA10611195.